The following is an entry in ClinVar:

ClinVar aggregate classification (germline): Uncertain significance. Review status: criteria provided, multiple submitters, no conflicts (2 of 4 stars). 2 submissions from 2 submitters: Uncertain significance (2). Last evaluated 2024-11-01.

gnomAD v4.1: 28 of 1,541,456 alleles (0.0018%); highest among the groups gnomAD compares: South Asian, 0.0036%; no homozygotes.

Submissions (2):

CeGaT Center for Human Genetics Tuebingen
Classification: Uncertain significance. Last evaluated: 2024-11-01. Review status: criteria provided, single submitter. Criteria: CeGaT Center For Human Genetics Tuebingen Variant Classification Criteria Version 2. Collection method: clinical testing. Allele origin: germline. Affected: yes. Observed: 2 variant alleles.
Comment: PIEZO1: PM2, BP4

Revvity Omics, Revvity
Classification: Uncertain significance. Last evaluated: 2024-08-28. Review status: criteria provided, single submitter. Criteria: ACMG Guidelines, 2015. Collection method: clinical testing. Allele origin: germline.

NM_001142864.4(PIEZO1):c.4381C>T (p.Arg1461Trp)

Gene: PIEZO1 (piezo type mechanosensitive ion channel component 1 (Er blood group); minus strand). Cytogenetic location: 16q24.3.
Variant type: single nucleotide variant.
Coding change: c.4381C>T on transcript NM_001142864.4 (MANE Select); coding-DNA position 4381, C replaced by T.
Protein change: p.Arg1461Trp; replaces arginine 1461 with tryptophan.
Molecular consequence: missense variant.
Genome position (GRCh38, 1-based): chr16:88,723,283, G>A on the plus strand (C>T on the coding strand, the complement: PIEZO1 is on the minus strand). VCF-style: chr16-88723283-G-A. GRCh37 (hg19) VCF-style: chr16-88789691-G-A.
Other names: short protein forms R1461W.
Identifiers: ClinVar variation 3341710 (VCV003341710.17).
Genomic context (GRCh38, chr16:88,723,283, plus strand): 5'-CACCTGTGGGTAGCTGTCCTGCCTGTTCCTGCCTTGCCTGCTCCTGCTCCTGCTGCCGCC[G>A]CCTCAGCACCGCCTGGGCGTTGGTCACCCATGCCTGGTACGCCAGCTGTCGGCCAGCCCC-3'
Protein context (NP_001136336.2, residues 1451-1471): WVTNAQAVLR[Arg1461Trp]RQQEQEQARQ